The following is an entry in ClinVar:

NM_007294.4(BRCA1):c.4567C>T (p.Pro1523Ser)

Gene: BRCA1 (BRCA1 DNA repair associated; minus strand). Cytogenetic location: 17q21.31.
Variant type: single nucleotide variant.
Coding change: c.4567C>T on transcript NM_007294.4 (MANE Select); coding-DNA position 4567, C replaced by T.
Protein change: p.Pro1523Ser; replaces proline 1523 with serine.
Molecular consequence: missense variant. On other transcripts: non-coding transcript variant (1).
Genome position (GRCh38, 1-based): chr17:43,074,439, G>A on the plus strand (C>T on the coding strand, the complement: BRCA1 is on the minus strand). VCF-style: chr17-43074439-G-A. GRCh37 (hg19) VCF-style: chr17-41226456-G-A.
Other names: c.4564C>T, p.Pro1522Ser (NM_001407858.1, NM_001407859.1, NM_001407860.1 and 17 more transcripts); c.4360C>T, p.Pro1454Ser (NM_001407875.1, NM_001407874.1); c.4357C>T, p.Pro1453Ser (NM_001407879.1, NM_001407881.1, NM_001407882.1 and 5 more transcripts); c.4561C>T, p.Pro1521Ser (NM_001407861.1, NM_001407627.1, NM_001407628.1 and 14 more transcripts); c.4366C>T, p.Pro1456Ser (NM_001407862.1); c.4441C>T, p.Pro1481Ser (NM_001407863.1, NM_001407670.1, NM_001407671.1 and 11 more transcripts); c.4420C>T, p.Pro1474Ser (NM_001407852.1, NM_001407853.1, NM_001407838.1 and 12 more transcripts); c.4567C>T, p.Pro1523Ser (NM_001407854.1, NM_001407593.1, NM_001407594.1 and 8 more transcripts); and 68 more; short protein forms P1476S, P1523S, P1544S, P419S, P1227S, P1354S, P1396S, P1411S.
Identifiers: ClinVar variation 1063272 (VCV001063272.12), dbSNP rs1390166929, ClinGen allele CA10592379.

ClinVar aggregate classification (germline): Uncertain significance. Review status: criteria provided, multiple submitters, no conflicts (2 of 4 stars). 3 submissions from 3 submitters: Uncertain significance (3). Last evaluated 2025-03-28.

Conditions:
Hereditary breast ovarian cancer syndrome. Also called: Hereditary breast and ovarian cancer syndrome (HBOC); Breast and ovarian cancer; Hereditary breast and/or ovarian cancer syndrome; BRCA1- and BRCA2-Associated Hereditary Breast and Ovarian Cancer; Hereditary breast and ovarian cancer syndrome; Hereditary breast and ovarian cancer. Identifiers: Orphanet 145, MedGen C0677776, MeSH D061325, MONDO:0003582. Disease mechanism: loss of function.

gnomAD v4.1: 2 of 1,614,098 alleles (0.00012%); highest among the groups gnomAD compares: Non-Finnish European, 0.00017%; no homozygotes.

Submissions (3):

GeneDx
Classification: Uncertain significance. Last evaluated: 2025-03-28. Review status: criteria provided, single submitter. Criteria: GeneDx Variant Classification Process June 2021. Collection method: clinical testing. Allele origin: germline. Affected: yes.
Comment: Not observed at significant frequency in large population cohorts (gnomAD); In silico analysis supports that this missense variant has a deleterious effect on protein structure/function; Has not been previously published as pathogenic or benign to our knowledge; Also known as 4686C>T; This variant is associated with the following publications: (PMID: 15343273, 22737296, 9774970)

Quest Diagnostics Nichols Institute San Juan Capistrano
Classification: Uncertain significance. Last evaluated: 2024-02-19. Review status: criteria provided, single submitter. Criteria: Quest Diagnostics criteria. Collection method: clinical testing. Allele origin: unknown.
Comment: The BRCA1 c.4567C>T (p.Pro1523Ser) variant has not been reported in individuals with BRCA1-related conditions in the published literature. The frequency of this variant in the general population, 0.000032 (1/31410 chromosomes (Genome Aggregation Database)), is uninformative in the assessment of its pathogenicity. Analysis of this variant using bioinformatics tools for the prediction of the effect of amino acid changes on protein structure and function yielded predictions that this variant is benign. Based on the available information, we are unable to determine the clinical significance of this variant.

Labcorp Genetics (formerly Invitae), Labcorp
Classification: Uncertain significance for Hereditary breast ovarian cancer syndrome. Last evaluated: 2022-02-18. Review status: criteria provided, single submitter. Criteria: Invitae Variant Classification Sherloc (09022015). Collection method: clinical testing. Allele origin: germline.
Comment: In summary, the available evidence is currently insufficient to determine the role of this variant in disease. Therefore, it has been classified as a Variant of Uncertain Significance. This sequence change replaces proline, which is neutral and non-polar, with serine, which is neutral and polar, at codon 1523 of the BRCA1 protein (p.Pro1523Ser). This variant is present in population databases (no rsID available, gnomAD 0.007%). This variant has not been reported in the literature in individuals affected with BRCA1-related conditions. ClinVar contains an entry for this variant (Variation ID: 1063272). Advanced modeling of protein sequence and biophysical properties (such as structural, functional, and spatial information, amino acid conservation, physicochemical variation, residue mobility, and thermodynamic stability) performed at Invitae indicates that this missense variant is not expected to disrupt BRCA1 protein function.